The following is an entry in ClinVar:

NM_194248.3(OTOF):c.1774C>T (p.Gln592Ter)

Gene: OTOF (otoferlin; minus strand). Cytogenetic location: 2p23.3.
Variant type: single nucleotide variant.
Coding change: c.1774C>T on transcript NM_194248.3 (MANE Select); coding-DNA position 1774, C replaced by T.
Protein change: p.Gln592Ter; replaces glutamine 592 with a stop codon.
Molecular consequence: nonsense.
Genome position (GRCh38, 1-based): chr2:26,480,815, G>A on the plus strand (C>T on the coding strand, the complement: OTOF is on the minus strand). VCF-style: chr2-26480815-G-A. GRCh37 (hg19) VCF-style: chr2-26703683-G-A.
Other names: c.1774C>T, p.Gln592Ter (NM_001287489.2); short protein forms Q592*.
Identifiers: ClinVar variation 3601525 (VCV003601525.1).

ClinVar aggregate classification (germline): Likely pathogenic (1 of 4 stars; one submission).

Conditions:
Autosomal recessive nonsyndromic hearing loss 9. Also called: NEUROSENSORY NONSYNDROMIC RECESSIVE DEAFNESS 9; OTOF-Related Hearing Loss; Deafness, autosomal recessive 9; AUDITORY NEUROPATHY, AUTOSOMAL RECESSIVE, 1, TEMPERATURE-SENSITIVE. Identifiers: Orphanet 90636, MedGen C1832828, MONDO:0010986, OMIM 601071.

gnomAD v4.1: 2 of 1,612,618 alleles (0.00012%); no homozygotes.

Submission:

Institute of Rare Diseases, West China Hospital, Sichuan University
Classification: Likely pathogenic for Autosomal recessive nonsyndromic hearing loss 9. Last evaluated: 2025-01-09. Review status: criteria provided, single submitter. Criteria: ClinGen HL ACMG Specifications v1. Collection method: research. Allele origin: germline. Affected: yes.
Comment: PVS1;PM2_Supporting